The following is an entry in ClinVar:

ClinVar aggregate classification (germline): Uncertain significance (1 of 4 stars; one submission).

Submission:

GeneDx
Classification: Uncertain significance. Last evaluated: 2021-06-26. Review status: criteria provided, single submitter. Criteria: GeneDx Variant Classification Process June 2021. Collection method: clinical testing. Allele origin: germline. Affected: yes.
Comment: Not observed at significant frequency in large population cohorts (Lek et al., 2016); In silico analysis supports that this missense variant does not alter protein structure/function; Has not been previously published as pathogenic or benign to our knowledge; This variant is associated with the following publications: (PMID: 27535533)

NM_014423.4(AFF4):c.2389A>G (p.Asn797Asp)

Gene: AFF4 (ALF transcription elongation factor 4; minus strand). Cytogenetic location: 5q31.1.
Variant type: single nucleotide variant.
Coding change: c.2389A>G on transcript NM_014423.4 (MANE Select); coding-DNA position 2389, A replaced by G.
Protein change: p.Asn797Asp; replaces asparagine 797 with aspartic acid.
Molecular consequence: missense variant.
Genome position (GRCh38, 1-based): chr5:132,893,037, T>C on the plus strand (A>G on the coding strand, the complement: AFF4 is on the minus strand). VCF-style: chr5-132893037-T-C. GRCh37 (hg19) VCF-style: chr5-132228729-T-C.
Other names: short protein forms N797D.
Identifiers: ClinVar variation 1329649 (VCV001329649.2), dbSNP rs2150070167, ClinGen allele CA360929696.